The following is an entry in ClinVar:

NM_000053.4(ATP7B):c.4193C>T (p.Ser1398Phe)

Gene: ATP7B (ATPase copper transporting beta; minus strand). Cytogenetic location: 13q14.3.
Variant type: single nucleotide variant.
Coding change: c.4193C>T on transcript NM_000053.4 (MANE Select); coding-DNA position 4193, C replaced by T.
Protein change: p.Ser1398Phe; replaces serine 1398 with phenylalanine.
Molecular consequence: missense variant.
Genome position (GRCh38, 1-based): chr13:51,934,961, G>A on the plus strand (C>T on the coding strand, the complement: ATP7B is on the minus strand). VCF-style: chr13-51934961-G-A. GRCh37 (hg19) VCF-style: chr13-52509097-G-A.
Other names: c.4097C>T, p.Ser1366Phe (NM_001406517.1, NM_001406518.1); c.4058C>T, p.Ser1353Phe (NM_001406519.1); c.4049C>T, p.Ser1350Phe (NM_001406520.1, NM_001406521.1, NM_001406522.1); c.4010C>T, p.Ser1337Phe (NM_001406523.1); c.4016C>T, p.Ser1339Phe (NM_001406524.1); c.3998C>T, p.Ser1333Phe (NM_001406525.1); c.3989C>T, p.Ser1330Phe (NM_001406526.1); c.3959C>T, p.Ser1320Phe (NM_001406527.1, NM_001406528.1, NM_001330578.2); and 21 more; short protein forms S1117F, S1171F, S1182F, S1191F, S1204F, S1234F, S1236F, S1249F.
Identifiers: ClinVar variation 3073931 (VCV003073931.1), dbSNP rs754397173, ClinGen allele CA388019628.

ClinVar aggregate classification (germline): Uncertain significance (1 of 4 stars; one submission).

Conditions:
Wilson disease (WND). Also called: Wilson's disease. Identifiers: Orphanet 905, MedGen C0019202, MONDO:0010200, OMIM 277900. Disease mechanism: loss of function.

Allele frequency attached by ClinVar (database versions not stated): TOPMed 0.00002.

Submission:

All of Us Research Program, National Institutes of Health
Classification: Uncertain significance for Wilson disease. Last evaluated: 2023-11-30. Review status: criteria provided, single submitter. Criteria: ACMG Guidelines, 2015. Collection method: clinical testing. Allele origin: germline. Inheritance: Autosomal recessive inheritance. Observed: 1 variant allele, 1 heterozygote.
Comment: This study involves interpretation of variants in research participants for the purpose of population health screening. Participant phenotype was not available at the time of variant classification. Additional details can be found in publication PMID: 35346344, PMCID: PMC8962531